The following is an entry in ClinVar:

ClinVar aggregate classification (germline): Uncertain significance (1 of 4 stars; one submission).

gnomAD v4.1: 2 of 1,211,698 alleles (0.00017%); highest among the groups gnomAD compares: South Asian, 0.0035%; no homozygotes.

Submission:

GeneDx
Classification: Uncertain significance. Last evaluated: 2024-09-26. Review status: criteria provided, single submitter. Criteria: GeneDx Variant Classification Process June 2021. Collection method: clinical testing. Allele origin: germline. Affected: yes.
Comment: In silico analysis indicates that this missense variant does not alter protein structure/function; Has not been previously published as pathogenic or benign to our knowledge

NM_000132.4(F8):c.2186G>C (p.Ser729Thr)

Gene: F8 (coagulation factor VIII; minus strand). Cytogenetic location: Xq28.
Variant type: single nucleotide variant.
Coding change: c.2186G>C on transcript NM_000132.4 (MANE Select); coding-DNA position 2186, G replaced by C.
Protein change: p.Ser729Thr; replaces serine 729 with threonine.
Molecular consequence: missense variant.
Genome position (GRCh38, 1-based): chrX:154,931,604, C>G on the plus strand (G>C on the coding strand, the complement: F8 is on the minus strand). VCF-style: chrX-154931604-C-G. GRCh37 (hg19) VCF-style: chrX-154159879-C-G.
Other names: short protein forms S729T.
Identifiers: ClinVar variation 3774847 (VCV003774847.1).